The following is an entry in ClinVar:

ClinVar aggregate classification (germline): Uncertain significance (1 of 4 stars; one submission).

Conditions:
Early-infantile DEE. Also called: Early infantile epileptic encephalopathy with suppression bursts; Early infantile epileptic encephalopathy; Ohtahara syndrome. Identifiers: Orphanet 1934, MedGen C0393706, MONDO:0800491.

Submission:

Labcorp Genetics (formerly Invitae), Labcorp
Classification: Uncertain significance for Early-infantile DEE. Last evaluated: 2021-08-07. Review status: criteria provided, single submitter. Criteria: Invitae Variant Classification Sherloc (09022015). Collection method: clinical testing. Allele origin: germline.
Comment: In summary, the available evidence is currently insufficient to determine the role of this variant in disease. Therefore, it has been classified as a Variant of Uncertain Significance. Experimental studies and prediction algorithms are not available or were not evaluated, and the functional significance of this variant is currently unknown. This variant has not been reported in the literature in individuals affected with SLC25A22-related conditions. This variant is not present in population databases (ExAC no frequency). This variant, c.730_735dup, results in the insertion of 2 amino acid(s) to the SLC25A22 protein (p.Asn244_Pro245dup), but otherwise preserves the integrity of the reading frame.

NM_001191061.2(SLC25A22):c.730_735dup (p.Asn244_Pro245dup)

Gene: SLC25A22 (solute carrier family 25 member 22; minus strand). Cytogenetic location: 11p15.5.
Variant type: Duplication.
Coding change: c.730_735dup on transcript NM_001191061.2 (MANE Select); coding-DNA positions 730 to 735, 6 bases duplicated (AACCCC; older notation c.730_735dupAACCCC).
Protein change: p.Asn244_Pro245dup.
Molecular consequence: inframe insertion.
Genome position (GRCh38, 1-based): chr11:792,311-792,316, GGGGTT duplicated on the plus strand (AACCCC on the coding strand, the reverse complement: SLC25A22 is on the minus strand); duplicating any 6 consecutive bases within chr11:792,311-792,317 gives the same sequence; the c. name uses the placement nearest the transcript's 3' end. VCF-style (leftmost placement, unchanged base first): chr11-792310-A-AGGGGTT. GRCh37 (hg19) VCF-style: chr11-792310-A-AGGGGTT.
Other names: c.730_735dup, p.Asn244_Pro245dup (NM_001191060.2, NM_024698.6).
Identifiers: ClinVar variation 1373071 (VCV001373071.7), dbSNP rs2133699233, ClinGen allele CA2573147243.